The following is an entry in ClinVar:

ClinVar aggregate classification (germline): Uncertain significance (1 of 4 stars; one submission).

Submission:

GeneDx
Classification: Uncertain significance. Last evaluated: 2024-11-22. Review status: criteria provided, single submitter. Criteria: GeneDx Variant Classification Process June 2021. Collection method: clinical testing. Allele origin: germline. Affected: yes.
Comment: Not observed at significant frequency in large population cohorts (gnomAD); In silico analysis supports that this missense variant has a deleterious effect on protein structure/function; Has not been previously published as pathogenic or benign to our knowledge.

NM_031263.4(HNRNPK):c.1071G>T (p.Trp357Cys)

Gene: HNRNPK (heterogeneous nuclear ribonucleoprotein K; minus strand). Cytogenetic location: 9q21.32.
Variant type: single nucleotide variant.
Coding change: c.1071G>T on transcript NM_031263.4 (MANE Select); coding-DNA position 1071, G replaced by T.
Protein change: p.Trp357Cys; replaces tryptophan 357 with cysteine.
Molecular consequence: missense variant.
Genome position (GRCh38, 1-based): chr9:83,971,294, C>A on the plus strand (G>T on the coding strand, the complement: HNRNPK is on the minus strand). VCF-style: chr9-83971294-C-A. GRCh37 (hg19) VCF-style: chr9-86586209-C-A.
Other names: c.999G>T, p.Trp333Cys (NM_001318186.2, NM_001318187.2); c.1071G>T, p.Trp357Cys (NM_001318188.2, NM_002140.5, NM_031262.4); short protein forms W333C, W357C.
Identifiers: ClinVar variation 3900557 (VCV003900557.1).